The following is an entry in ClinVar:

ClinVar aggregate classification (germline): Uncertain significance. Review status: criteria provided, multiple submitters, no conflicts (2 of 4 stars). 4 submissions from 4 submitters: Uncertain significance (4). Last evaluated 2025-08-31.

Conditions:
Hereditary cancer-predisposing syndrome. Also called: Neoplastic Syndromes, Hereditary; Hereditary Cancer Syndrome; Tumor predisposition; Hereditary neoplastic syndrome. Identifiers: Orphanet 140162, MedGen C0027672, MeSH D009386, MONDO:0015356.
Neurofibromatosis, type 2 (SWNV). Also called: NF2-Related Schwannomatosis; SCHWANNOMATOSIS, VESTIBULAR; BILATERAL ACOUSTIC NEUROFIBROMATOSIS. Identifiers: Orphanet 637, MedGen C0027832, MONDO:0007039, OMIM 101000. Disease mechanism: loss of function.

gnomAD v4.1: 4 of 1,614,088 alleles (0.00025%); highest among the groups gnomAD compares: Non-Finnish European, 0.00034%; no homozygotes.

Submissions (4):

Labcorp Genetics (formerly Invitae), Labcorp
Classification: Uncertain significance for Neurofibromatosis, type 2. Last evaluated: 2025-08-31. Review status: criteria provided, single submitter. Criteria: Invitae Variant Classification Sherloc (09022015). Collection method: clinical testing. Allele origin: germline.
Comment: This sequence change replaces aspartic acid, which is acidic and polar, with valine, which is neutral and non-polar, at codon 201 of the NF2 protein (p.Asp201Val). This variant is not present in population databases (gnomAD no frequency). This variant has not been reported in the literature in individuals affected with NF2-related conditions. ClinVar contains an entry for this variant (Variation ID: 643206). An algorithm developed to predict the effect of missense changes on protein structure and function (PolyPhen-2) suggests that this variant is likely to be disruptive. In summary, the available evidence is currently insufficient to determine the role of this variant in disease. Therefore, it has been classified as a Variant of Uncertain Significance.

CeGaT Center for Human Genetics Tuebingen
Classification: Uncertain significance. Last evaluated: 2024-03-01. Review status: criteria provided, single submitter. Criteria: CeGaT Center For Human Genetics Tuebingen Variant Classification Criteria Version 2. Collection method: clinical testing. Allele origin: germline. Affected: yes. Observed: 1 variant allele.
Comment: NF2: PM2, PP3

Ambry Genetics
Classification: Uncertain significance for Hereditary cancer-predisposing syndrome. Last evaluated: 2023-12-19. Review status: criteria provided, single submitter. Criteria: Ambry Variant Classification Scheme 2023. Collection method: clinical testing. Allele origin: germline.
Comment: The p.D201V variant (also known as c.602A>T), located in coding exon 7 of the NF2 gene, results from an A to T substitution at nucleotide position 602. The aspartic acid at codon 201 is replaced by valine, an amino acid with highly dissimilar properties. This amino acid position is highly conserved in available vertebrate species. In addition, this alteration is predicted to be deleterious by in silico analysis. Since supporting evidence is limited at this time, the clinical significance of this alteration remains unclear.

All of Us Research Program, National Institutes of Health
Classification: Uncertain significance for Neurofibromatosis, type 2. Last evaluated: 2023-10-02. Review status: criteria provided, single submitter. Criteria: ACMG Guidelines, 2015. Collection method: clinical testing. Allele origin: germline. Inheritance: Autosomal dominant inheritance. Observed: 1 variant allele, 1 heterozygote.
Comment: This missense variant replaces aspartic acid with valine at codon 201 of the NF2 protein. Computational prediction suggests that this variant may have deleterious impact on protein structure and function (internally defined REVEL score threshold >= 0.7, PMID: 27666373). To our knowledge, functional studies have not been reported for this variant. This variant has not been reported in individuals affected with NF2-related disorders in the literature. This variant has not been identified in the general population by the Genome Aggregation Database (gnomAD). The available evidence is insufficient to determine the role of this variant in disease conclusively. Therefore, this variant is classified as a Variant of Uncertain Significance.

This study involves interpretation of variants in research participants for the purpose of population health screening. Participant phenotype was not available at the time of variant classification. Additional details can be found in publication PMID: 35346344, PMCID: PMC8962531

NM_000268.4(NF2):c.602A>T (p.Asp201Val)

Gene: NF2 (NF2, moesin-ezrin-radixin like (MERLIN) tumor suppressor; plus strand). Cytogenetic location: 22q12.2.
Variant type: single nucleotide variant.
Coding change: c.602A>T on transcript NM_000268.4 (MANE Select); coding-DNA position 602, A replaced by T.
Protein change: p.Asp201Val; replaces aspartic acid 201 with valine.
Molecular consequence: missense variant. On other transcripts: non-coding transcript variant (1), intron variant (1).
Genome position (GRCh38, 1-based): chr22:29,658,191, A>T. VCF-style: chr22-29658191-A-T. GRCh37 (hg19) VCF-style: chr22-30054180-A-T.
Other names: c.602A>T, p.Asp201Val (NM_016418.5, NM_181825.3, NM_181832.3); c.476A>T, p.Asp159Val (NM_181828.3); c.479A>T, p.Asp160Val (NM_181829.3); c.353A>T, p.Asp118Val (NM_181830.3, NM_181831.3); c.447+15906A>T (NM_181833.3); short protein forms D118V, D201V, D159V, D160V.
Identifiers: ClinVar variation 643206 (VCV000643206.32), dbSNP rs1601618525, ClinGen allele CA411142966.
Genomic context (GRCh38, chr22:29,658,191, plus strand): 5'-CCCGCTCTCCACCCATCTCACTTAGCTCCAATGACAGTGTCTTCCGTTCTCCCCACAGGG[A>T]TGAAGCTGAAATGGAATATCTGAAGATAGCTCAGGACCTGGAGATGTACGGTGTGAACTA-3'
Protein context (NP_000259.1, residues 191-211): WYAEHRGRAR[Asp201Val]EAEMEYLKIA